The following is an entry in ClinVar:

ClinVar aggregate classification (germline): Uncertain significance (1 of 4 stars; one submission).

Submission:

Labcorp Genetics (formerly Invitae), Labcorp
Classification: Uncertain significance. Last evaluated: 2022-11-16. Review status: criteria provided, single submitter. Criteria: Invitae Variant Classification Sherloc (09022015). Collection method: clinical testing. Allele origin: unknown.
Comment: In summary, the available evidence is currently insufficient to determine the role of this variant in disease. Therefore, it has been classified as a Variant of Uncertain Significance. This variant has not been reported in the literature in individuals affected with SPTBN2-related conditions. This variant results in a copy number gain of the genomic region encompassing exon(s) 29-37 of the SPTBN2 gene. This region includes the termination codon of the gene. This copy number gain extends beyond the assayed region for this gene and therefore may encompass additional genes. As the precise location of this event is unknown, it may be in tandem or it may be located elsewhere in the genome.

NC_000011.9:g.(?_66453342)_(66456671_?)dup

Gene: SPTBN2 (spectrin beta, non-erythrocytic 2; minus strand). Cytogenetic location: 11q13.2.
Variant type: Duplication.
Identifiers: ClinVar variation 3244771 (VCV003244771.1).